The following is an entry in ClinVar:

ClinVar aggregate classification (germline): Uncertain significance (1 of 4 stars; one submission).

Conditions:
Aicardi-Goutieres syndrome 2. Identifiers: Orphanet 51, MedGen C3489724, MONDO:0012429, OMIM 610181.

Allele frequency attached by ClinVar (database versions not stated): gnomAD exomes below 0.00001; TOPMed below 0.00001; gnomAD 0.00001.
gnomAD v4.1: 2 of 1,608,760 alleles (0.00012%); highest among the groups gnomAD compares: African/African-American, 0.0013%; no homozygotes.

Submission:

Labcorp Genetics (formerly Invitae), Labcorp
Classification: Uncertain significance for Aicardi-Goutieres syndrome 2. Last evaluated: 2024-02-26. Review status: criteria provided, single submitter. Criteria: Invitae Variant Classification Sherloc (09022015). Collection method: clinical testing. Allele origin: germline.
Comment: This sequence change replaces aspartic acid, which is acidic and polar, with valine, which is neutral and non-polar, at codon 261 of the RNASEH2B protein (p.Asp261Val). This variant is not present in population databases (gnomAD no frequency). This variant has not been reported in the literature in individuals affected with RNASEH2B-related conditions. ClinVar contains an entry for this variant (Variation ID: 647110). Advanced modeling of protein sequence and biophysical properties (such as structural, functional, and spatial information, amino acid conservation, physicochemical variation, residue mobility, and thermodynamic stability) has been performed at Invitae for this missense variant, however the output from this modeling did not meet the statistical confidence thresholds required to predict the impact of this variant on RNASEH2B protein function. Algorithms developed to predict the effect of sequence changes on RNA splicing suggest that this variant may disrupt the consensus splice site. In summary, the available evidence is currently insufficient to determine the role of this variant in disease. Therefore, it has been classified as a Variant of Uncertain Significance.

NM_024570.4(RNASEH2B):c.782A>T (p.Asp261Val)

Gene: RNASEH2B (ribonuclease H2 subunit B; plus strand). Cytogenetic location: 13q14.3.
Variant type: single nucleotide variant.
Coding change: c.782A>T on transcript NM_024570.4 (MANE Select); coding-DNA position 782, A replaced by T.
Protein change: p.Asp261Val; replaces aspartic acid 261 with valine.
Molecular consequence: missense variant. On other transcripts: intron variant (1).
Genome position (GRCh38, 1-based): chr13:50,953,945, A>T. VCF-style: chr13-50953945-A-T. GRCh37 (hg19) VCF-style: chr13-51528081-A-T.
Other names: c.741+4440A>T (NM_001142279.2); short protein forms D261V.
Identifiers: ClinVar variation 647110 (VCV000647110.6), dbSNP rs1307271194, ClinGen allele CA388260155.